The following is an entry in ClinVar:

ClinVar aggregate classification (germline): Benign. Review status: criteria provided, multiple submitters, no conflicts (2 of 4 stars). 9 submissions from 9 submitters: Benign (7). 2 of the submissions do not count toward it. Last evaluated 2026-02-01.

Conditions:
SYNE2-related disorder. Also called: SYNE2-related condition.
Emery-Dreifuss muscular dystrophy 5, autosomal dominant (EDMD5). Also called: EMERY-DREIFUSS MUSCULAR DYSTROPHY 5. Identifiers: Orphanet 261, MedGen C2751805, MONDO:0013072, OMIM 612999.

Allele frequency attached by ClinVar (database versions not stated): ESP Exome Variant Server 0.02135; TOPMed 0.02832; gnomAD exomes 0.02862 and 0.03598; 1000 Genomes Project 0.02895; gnomAD 0.02941 and 0.02955; 1000 Genomes Project 30x 0.02967; ExAC 0.03286.
gnomAD v4.1: 46,043 of 1,610,852 alleles (2.9%); highest among the groups gnomAD compares: Admixed American, 7.9%; 889 homozygotes.

Submissions (9):

Labcorp Genetics (formerly Invitae), Labcorp
Classification: Benign for Emery-Dreifuss muscular dystrophy 5, autosomal dominant. Last evaluated: 2026-02-01. Review status: criteria provided, single submitter. Criteria: Invitae Variant Classification Sherloc (09022015). Collection method: clinical testing. Allele origin: germline.

PreventionGenetics, part of Exact Sciences
Classification: Benign for SYNE2-related condition. Last evaluated: 2025-01-05. Review status: criteria provided, single submitter. Criteria: ACMG Guidelines, 2015. Collection method: clinical testing. Allele origin: germline.
Comment: This variant is classified as benign based on ACMG/AMP sequence variant interpretation guidelines (Richards et al. 2015 PMID: 25741868, with internal and published modifications).

GeneDx
Classification: Benign. Last evaluated: 2018-07-14. Review status: criteria provided, single submitter. Criteria: GeneDx Variant Classification Process June 2021. Collection method: clinical testing. Allele origin: germline. Affected: yes.

Illumina Laboratory Services, Illumina
Classification: Benign for Emery-Dreifuss muscular dystrophy 5, autosomal dominant. Last evaluated: 2018-01-13. Review status: criteria provided, single submitter. Criteria: ICSL Variant Classification Criteria 13 December 2019. Collection method: clinical testing. Allele origin: germline.
Comment: This variant was observed in the ICSL laboratory as part of a predisposition screen in an ostensibly healthy population. It had not been previously curated by ICSL or reported in the Human Gene Mutation Database (HGMD: prior to June 1st, 2018), and was therefore a candidate for classification through an automated scoring system. Utilizing variant allele frequency, disease prevalence and penetrance estimates, and inheritance mode, an automated score was calculated to assess if this variant is too frequent to cause the disease. Based on the score and internal cut-off values, a variant classified as benign is not then subjected to further curation. The score for this variant resulted in a classification of benign for this disease.

Genome Diagnostics Laboratory, University Medical Center Utrecht
Classification: Benign for Emery-Dreifuss muscular dystrophy 5, autosomal dominant. Last evaluated: 2014-10-09. Review status: criteria provided, single submitter. Criteria: ACGS Guidelines, 2013. Collection method: clinical testing. Allele origin: germline. Affected: yes. Study: VKGL Data-share Consensus.

Genetic Services Laboratory, University of Chicago
Classification: Benign for AllHighlyPenetrant. Last evaluated: 2013-08-15. Review status: criteria provided, single submitter. Criteria: ACMG Guidelines, 2007. Collection method: clinical testing. Allele origin: germline. Inheritance: Autosomal dominant inheritance.

Breakthrough Genomics
Classification: Benign. Review status: criteria provided, single submitter. Criteria: ACMG Guidelines, 2015. Collection method: not provided. Allele origin: germline. Inheritance: Autosomal dominant inheritance. Affected: yes.

Clinical Genetics, Academic Medical Center
Classification: Benign. Review status: no assertion criteria provided. Collection method: clinical testing. Allele origin: germline. Affected: yes. Study: VKGL Data-share Consensus. Not counted in ClinVar's aggregate classification.

Laboratory of Diagnostic Genome Analysis, Leiden University Medical Center (LUMC)
Classification: Likely benign. Review status: no assertion criteria provided. Collection method: clinical testing. Allele origin: germline. Affected: yes. Study: VKGL Data-share Consensus. Not counted in ClinVar's aggregate classification.

NM_182914.3(SYNE2):c.9078A>T (p.Glu3026Asp)

Gene: SYNE2 (spectrin repeat containing nuclear envelope protein 2; plus strand). Cytogenetic location: 14q23.2.
Variant type: single nucleotide variant.
Coding change: c.9078A>T on transcript NM_182914.3 (MANE Select); coding-DNA position 9078, A replaced by T.
Protein change: p.Glu3026Asp; replaces glutamic acid 3026 with aspartic acid.
Molecular consequence: missense variant.
Genome position (GRCh38, 1-based): chr14:64,052,991, A>T. VCF-style: chr14-64052991-A-T. GRCh37 (hg19) VCF-style: chr14-64519709-A-T.
Other names: c.9078A>T, p.Glu3026Asp (NM_015180.6); short protein forms E3026D.
Identifiers: ClinVar variation 130518 (VCV000130518.25), dbSNP rs34843668, ClinGen allele CA155620.
Genomic context (GRCh38, chr14:64,052,991, plus strand): 5'-CTATATTGGACTAAACTGGGATTTTTCACAACTTGACCAATTACAAACCCAAGTATTTGA[A>T]AAAGAAAAGGAACTTGAAGAAAAAATTAAGCAGTTGGACACATTTGAGGAAGAACATGGC-3'
Protein context (NP_878918.2, residues 3016-3036): QLDQLQTQVF[Glu3026Asp]KEKELEEKIK